The following is an entry in ClinVar:

ClinVar aggregate classification (germline): Uncertain significance. Review status: criteria provided, multiple submitters, no conflicts (2 of 4 stars). 2 submissions from 2 submitters: Uncertain significance (2). Last evaluated 2025-11-25.

Allele frequency attached by ClinVar (database versions not stated): ESP Exome Variant Server 0.00023; ExAC 0.00006; gnomAD 0.00007; TOPMed 0.00009.
gnomAD v4.1: 88 of 1,614,052 alleles (0.0055%); highest among the groups gnomAD compares: Non-Finnish European, 0.0068%; no homozygotes.

Submissions (2):

Ambry Genetics
Classification: Uncertain significance. Last evaluated: 2025-11-25. Review status: criteria provided, single submitter. Criteria: Ambry Variant Classification Scheme 2023. Collection method: clinical testing. Allele origin: germline.

Labcorp Genetics (formerly Invitae), Labcorp
Classification: Uncertain significance. Last evaluated: 2024-05-06. Review status: criteria provided, single submitter. Criteria: Invitae Variant Classification Sherloc (09022015). Collection method: clinical testing. Allele origin: germline.
Comment: This sequence change replaces arginine, which is basic and polar, with glutamine, which is neutral and polar, at codon 552 of the AK7 protein (p.Arg552Gln). This variant is present in population databases (rs146694881, gnomAD 0.01%). This variant has not been reported in the literature in individuals affected with AK7-related conditions. Advanced modeling of protein sequence and biophysical properties (such as structural, functional, and spatial information, amino acid conservation, physicochemical variation, residue mobility, and thermodynamic stability) performed at Invitae indicates that this missense variant is not expected to disrupt AK7 protein function with a negative predictive value of 80%. In summary, the available evidence is currently insufficient to determine the role of this variant in disease. Therefore, it has been classified as a Variant of Uncertain Significance.

NM_152327.5(AK7):c.1655G>A (p.Arg552Gln)

Gene: AK7 (adenylate kinase 7; plus strand). Cytogenetic location: 14q32.2.
Variant type: single nucleotide variant.
Coding change: c.1655G>A on transcript NM_152327.5 (MANE Select); coding-DNA position 1655, G replaced by A.
Protein change: p.Arg552Gln; replaces arginine 552 with glutamine.
Molecular consequence: missense variant.
Genome position (GRCh38, 1-based): chr14:96,478,564, G>A. VCF-style: chr14-96478564-G-A. GRCh37 (hg19) VCF-style: chr14-96944901-G-A.
Other names: c.1655G>A (NM_152327.2); c.1586G>A, p.Arg529Gln (NM_001350888.2, NM_001350890.2); c.1577G>A, p.Arg526Gln (NM_001350891.2); c.1457G>A, p.Arg486Gln (NM_001350892.2); short protein forms R486Q, R552Q, R529Q, R526Q.
Identifiers: ClinVar variation 2956504 (VCV002956504.4), dbSNP rs146694881, ClinGen allele CA7337916.